The following is an entry in ClinVar:

ClinVar aggregate classification (germline): Conflicting classifications of pathogenicity. Review status: criteria provided, conflicting classifications (1 of 4 stars). 3 submissions from 3 submitters: Uncertain significance (2); Likely benign (1). Last evaluated 2025-02-07.

Conditions:
SPTBN2-related disorder. Also called: SPTBN2-related condition.

Allele frequency attached by ClinVar (database versions not stated): gnomAD exomes 0.00001; ExAC 0.00002; TOPMed 0.00002; gnomAD 0.00003.
gnomAD v4.1: 19 of 1,613,900 alleles (0.0012%); highest among the groups gnomAD compares: African/African-American, 0.0067%; no homozygotes.

Submissions (3):

PreventionGenetics, part of Exact Sciences
Classification: Uncertain significance for SPTBN2-related condition. Last evaluated: 2025-02-07. Review status: criteria provided, single submitter. Criteria: ACMG Guidelines, 2015. Collection method: clinical testing. Allele origin: germline.
Comment: The SPTBN2 c.6754C>T variant is predicted to result in the amino acid substitution p.Arg2252Cys. To our knowledge, this variant has not been reported in the literature. This variant is reported in 0.0062% of alleles in individuals of African descent in gnomAD. At this time, the clinical significance of this variant is uncertain due to the absence of conclusive functional and genetic evidence.

Labcorp Genetics (formerly Invitae), Labcorp
Classification: Likely benign. Last evaluated: 2023-07-17. Review status: criteria provided, single submitter. Criteria: Invitae Variant Classification Sherloc (09022015). Collection method: clinical testing. Allele origin: germline.

Revvity Omics, Revvity
Classification: Uncertain significance. Last evaluated: 2020-03-17. Review status: criteria provided, single submitter. Criteria: ACMG Guidelines, 2015. Collection method: clinical testing. Allele origin: germline.

NM_006946.4(SPTBN2):c.6754C>T (p.Arg2252Cys)

Gene: SPTBN2 (spectrin beta, non-erythrocytic 2; minus strand). Cytogenetic location: 11q13.2.
Variant type: single nucleotide variant.
Coding change: c.6754C>T on transcript NM_006946.4 (MANE Select); coding-DNA position 6754, C replaced by T.
Protein change: p.Arg2252Cys; replaces arginine 2252 with cysteine.
Molecular consequence: missense variant.
Genome position (GRCh38, 1-based): chr11:66,687,136, G>A on the plus strand (C>T on the coding strand, the complement: SPTBN2 is on the minus strand). VCF-style: chr11-66687136-G-A. GRCh37 (hg19) VCF-style: chr11-66454607-G-A.
Other names: c.6754C>T (NM_006946.2); c.6775C>T, p.Arg2259Cys (NM_001411025.1); short protein forms R2259C, R2252C.
Identifiers: ClinVar variation 1966145 (VCV001966145.9), dbSNP rs775007929, ClinGen allele CA6127794.